The following is an entry in ClinVar:

NM_144991.3(TSPEAR):c.144C>A (p.Ile48=)

Gene: TSPEAR (thrombospondin type laminin G domain and EAR repeats; minus strand). Cytogenetic location: 21q22.3.
Variant type: single nucleotide variant.
Coding change: c.144C>A on transcript NM_144991.3 (MANE Select); coding-DNA position 144, C replaced by A.
Protein change: p.Ile48=; no amino-acid change (isoleucine 48 retained).
Molecular consequence: synonymous variant. On other transcripts: 5 prime UTR variant (1).
Genome position (GRCh38, 1-based): chr21:44,567,944, G>T on the plus strand (C>A on the coding strand, the complement: TSPEAR is on the minus strand). VCF-style: chr21-44567944-G-T. GRCh37 (hg19) VCF-style: chr21-45987828-G-T.
Other names: c.-61C>A (NM_001272037.2).
Identifiers: ClinVar variation 4990392 (VCV004990392.1).

ClinVar aggregate classification (germline): Likely benign (1 of 4 stars; one submission).

Conditions:
TSPEAR-related disorder. Also called: TSPEAR-related condition.

gnomAD v4.1: 14 of 1,587,458 alleles (0.00088%); highest among the groups gnomAD compares: Non-Finnish European, 0.0012%; no homozygotes.

Submission:

PreventionGenetics, part of Exact Sciences
Classification: Likely benign for TSPEAR-related condition. Last evaluated: 2025-08-05. Review status: criteria provided, single submitter. Criteria: ACMG Guidelines, 2015. Collection method: clinical testing. Allele origin: germline.
Comment: This variant is classified as likely benign based on ACMG/AMP sequence variant interpretation guidelines (Richards et al. 2015 PMID: 25741868, with internal and published modifications).